The following is an entry in ClinVar:

NM_001110556.2(FLNA):c.1812C>T (p.Asp604=)

Gene: FLNA (filamin A; minus strand). Cytogenetic location: Xq28.
Variant type: single nucleotide variant.
Coding change: c.1812C>T on transcript NM_001110556.2 (MANE Select); coding-DNA position 1812, C replaced by T.
Protein change: p.Asp604=; no amino-acid change (aspartic acid 604 retained).
Molecular consequence: synonymous variant.
Genome position (GRCh38, 1-based): chrX:154,364,837, G>A on the plus strand (C>T on the coding strand, the complement: FLNA is on the minus strand). VCF-style: chrX-154364837-G-A. GRCh37 (hg19) VCF-style: chrX-153593205-G-A.
Other names: c.1812C>T, p.Asp604= (NM_001456.4).
Identifiers: ClinVar variation 194037 (VCV000194037.43), dbSNP rs370735674, ClinGen allele CA239820.
Genomic context (GRCh38, chrX:154,364,837, plus strand): 5'-CCATCGTCTGTCCCCAGGTGCCCATGCTGCAGCCTCCAACTTACCCAGCGTGCCCACGTC[G>A]TCCCCGATAGCCTCCACCACAAAGTCTGCTGACTTGCCAACGACGCCGCCCTCCAGCCCA-3'
Protein context (NP_001104026.1, residues 594-614): SADFVVEAIG[Asp604=]DVGTLGFSVE

ClinVar aggregate classification (germline): Conflicting classifications of pathogenicity. Review status: criteria provided, conflicting classifications (1 of 4 stars). 8 submissions from 8 submitters: Uncertain significance (1); Benign (3); Likely benign (4). Last evaluated 2026-01-24.

Conditions:
Heterotopia, periventricular, X-linked dominant (PVNH1). Also called: PERIVENTRICULAR NODULAR HETEROTOPIA 1; X-linked periventricular heterotopia; PERIVENTRICULAR NODULAR HETEROTOPIA 4; HETEROTOPIA, PERIVENTRICULAR, 1. Identifiers: Orphanet 2149, Orphanet 82004, MedGen C1848213, MONDO:0010233, OMIM 300049.
Oto-palato-digital syndrome, type II (OPD2). Also called: Otopalatodigital Syndrome, Type II; FACIOPALATOOSSEOUS SYNDROME; Otopalatodigital Syndrome Type 2 (FLNA-OPD2); OPD II SYNDROME. Identifiers: Orphanet 669, Orphanet 90652, MedGen C1844696, MONDO:0010571, OMIM 304120.
Frontometaphyseal dysplasia (FMD1). Identifiers: Orphanet 1826, MedGen C0265293, MONDO:0015942.
Melnick-Needles syndrome (MNS). Also called: MELNICK-NEEDLES OSTEODYSPLASTY; Melnick-Needles Syndrome (FLNA-MNS); OSTEODYSPLASTY OF MELNICK AND NEEDLES. Identifiers: Orphanet 2484, MedGen C0025237, MONDO:0010650, OMIM 309350.
Familial thoracic aortic aneurysm and aortic dissection (TAAD). Also called: Thoracic aortic aneurysms and dissections. Identifiers: Orphanet 91387, MedGen C4707243, MONDO:0019625.

Allele frequency attached by ClinVar (database versions not stated): ExAC 0.00009; ESP Exome Variant Server 0.00010; gnomAD exomes 0.00011 and 0.00022; TOPMed 0.00012; gnomAD 0.00015 and 0.00016.
gnomAD v4.1: 250 of 1,209,574 alleles (0.021%); highest among the groups gnomAD compares: Non-Finnish European, 0.027%; no homozygotes.

Submissions (8):

Labcorp Genetics (formerly Invitae), Labcorp
Classification: Benign for Oto-palato-digital syndrome, type II; Heterotopia, periventricular, X-linked dominant; Frontometaphyseal dysplasia; Melnick-Needles syndrome. Last evaluated: 2026-01-24. Review status: criteria provided, single submitter. Criteria: Invitae Variant Classification Sherloc (09022015). Collection method: clinical testing. Allele origin: germline.

Blueprint Genetics
Classification: Likely benign. Last evaluated: 2024-07-12. Review status: criteria provided, single submitter. Criteria: ACMG Guidelines, 2015. Collection method: clinical testing. Allele origin: germline.

Women's Health and Genetics/Laboratory Corporation of America, LabCorp
Classification: Benign. Last evaluated: 2024-04-08. Review status: criteria provided, single submitter. Criteria: LabCorp Variant Classification Summary - May 2015. Collection method: clinical testing. Allele origin: germline.

CeGaT Center for Human Genetics Tuebingen
Classification: Likely benign. Last evaluated: 2024-01-01. Review status: criteria provided, single submitter. Criteria: CeGaT Center For Human Genetics Tuebingen Variant Classification Criteria Version 2. Collection method: clinical testing. Allele origin: germline. Affected: yes. Observed: 1 variant allele.
Comment: FLNA: BP4, BP7, BS2

ARUP Laboratories, Molecular Genetics and Genomics, ARUP Laboratories
Classification: Likely benign. Last evaluated: 2022-06-30. Review status: criteria provided, single submitter. Criteria: ARUP Molecular Germline Variant Investigation Process 2021. Collection method: clinical testing. Allele origin: germline.

Eurofins Ntd Llc (ga)
Classification: Uncertain significance. Last evaluated: 2018-06-14. Review status: criteria provided, single submitter. Criteria: EGL ClinVar v180209 classification definitions. Collection method: clinical testing. Allele origin: germline. Observed: 2 variant alleles, 2 heterozygotes.

Ambry Genetics
Classification: Likely benign for Familial thoracic aortic aneurysm and aortic dissection. Last evaluated: 2015-09-22. Review status: criteria provided, single submitter. Criteria: Ambry Variant Classification Scheme 2023. Collection method: clinical testing. Allele origin: germline.

GeneDx
Classification: Benign. Last evaluated: 2014-10-21. Review status: criteria provided, single submitter. Criteria: GeneDx Variant Classification (06012015). Collection method: clinical testing. Allele origin: germline. Affected: yes.
Comment: This variant is considered likely benign or benign based on one or more of the following criteria: it is a conservative change, it occurs at a poorly conserved position in the protein, it is predicted to be benign by multiple in silico algorithms, and/or has population frequency not consistent with disease.